The following is an entry in ClinVar:

NM_001042492.3(NF1):c.3497-6C>G

Gene: NF1 (neurofibromin 1; plus strand). Cytogenetic location: 17q11.2.
Variant type: single nucleotide variant.
Coding change: c.3497-6C>G on transcript NM_001042492.3 (MANE Select); 6 bases into the intron before coding-DNA position 3497, C replaced by G.
Molecular consequence: intron variant.
Genome position (GRCh38, 1-based): chr17:31,232,996, C>G. VCF-style: chr17-31232996-C-G. GRCh37 (hg19) VCF-style: chr17-29560014-C-G.
Other names: c.3497-6C>G (NM_000267.4).
Identifiers: ClinVar variation 4726165 (VCV004726165.1).
Genomic context (GRCh38, chr17:31,232,996, plus strand): 5'-TAAGAGAAGCAAAAATTACTTCAGCAAGGCCATGTTAGTAAATTTGCATCTGTTTGTCCA[C>G]ATTAGGCTTAGGTTACCACAAGGATCTCCAGACAAGAGCTACATTTATGGAAGTTCTGAC-3'

ClinVar aggregate classification (germline): Uncertain significance (1 of 4 stars; one submission).

Conditions:
Neurofibromatosis, type 1 (NF1). Also called: NEUROFIBROMATOSIS, TYPE I, SOMATIC; VON RECKLINGHAUSEN DISEASE; Peripheral type neurofibromatosis; Neurofibromatosis, type I. Identifiers: Orphanet 636, MedGen C0027831, MONDO:0018975, OMIM 162200. Disease mechanism: loss of function.

Submission:

Labcorp Genetics (formerly Invitae), Labcorp
Classification: Uncertain significance for Neurofibromatosis, type 1. Last evaluated: 2025-09-15. Review status: criteria provided, single submitter. Criteria: Invitae Variant Classification Sherloc (09022015). Collection method: clinical testing. Allele origin: germline.
Comment: This sequence change falls in intron 26 of the NF1 gene. It does not directly change the encoded amino acid sequence of the NF1 protein. This variant is not present in population databases (gnomAD no frequency). This variant has not been reported in the literature in individuals affected with NF1-related conditions. Algorithms developed to predict the effect of sequence changes on RNA splicing suggest that this variant may disrupt the consensus splice site. In summary, the available evidence is currently insufficient to determine the role of this variant in disease. Therefore, it has been classified as a Variant of Uncertain Significance.